The following is an entry in ClinVar:

ClinVar aggregate classification (germline): Uncertain significance (1 of 4 stars; one submission).

Submission:

Labcorp Genetics (formerly Invitae), Labcorp
Classification: Uncertain significance. Last evaluated: 2025-10-27. Review status: criteria provided, single submitter. Criteria: Invitae Variant Classification Sherloc (09022015). Collection method: clinical testing. Allele origin: germline.
Comment: This sequence change replaces glycine, which is neutral and non-polar, with cysteine, which is neutral and slightly polar, at codon 502 of the COL9A1 protein (p.Gly502Cys). This variant is present in population databases (rs774226488, gnomAD 0.006%). This variant has not been reported in the literature in individuals affected with COL9A1-related conditions. An algorithm developed to predict the effect of missense changes on protein structure and function (PolyPhen-2) suggests that this variant is likely to be disruptive. In summary, the available evidence is currently insufficient to determine the role of this variant in disease. Therefore, it has been classified as a Variant of Uncertain Significance.

NM_001851.6(COL9A1):c.1504G>T (p.Gly502Cys)

Gene: COL9A1 (collagen type IX alpha 1 chain; minus strand). Cytogenetic location: 6q13.
Variant type: single nucleotide variant.
Coding change: c.1504G>T on transcript NM_001851.6 (MANE Select); coding-DNA position 1504, G replaced by T.
Protein change: p.Gly502Cys; replaces glycine 502 with cysteine.
Molecular consequence: missense variant. On other transcripts: non-coding transcript variant (1).
Genome position (GRCh38, 1-based): chr6:70,255,390, C>A on the plus strand (G>T on the coding strand, the complement: COL9A1 is on the minus strand). VCF-style: chr6-70255390-C-A. GRCh37 (hg19) VCF-style: chr6-70965093-C-A.
Other names: c.775G>T, p.Gly259Cys (NM_001377289.1, NM_001377290.1, NM_078485.4); short protein forms G259C, G502C.
Identifiers: ClinVar variation 4767651 (VCV004767651.1).